The following is an entry in ClinVar:

NC_000001.10:g.(?_197297542)_(197326153_?)del

Gene: CRB1 (crumbs cell polarity complex component 1; plus strand). Cytogenetic location: 1q31.3.
Variant type: Deletion.
Identifiers: ClinVar variation 1076362 (VCV001076362.5).

ClinVar aggregate classification (germline): Pathogenic (1 of 4 stars; one submission).

Conditions:
Retinitis pigmentosa 12 (RP12). Also called: RP WITH OR WITHOUT PPRPE; RP WITH OR WITHOUT PRESERVED PARAARTERIOLE RETINAL PIGMENT EPITHELIUM; RETINITIS PIGMENTOSA WITH OR WITHOUT PARAARTERIOLAR PRESERVATION OF RETINAL PIGMENT EPITHELIUM. Identifiers: Orphanet 791, MedGen C1838647, MONDO:0010818, OMIM 600105.
Leber congenital amaurosis 8 (LCA8). Identifiers: Orphanet 65, MedGen C3151202, MONDO:0013453, OMIM 613835.

Submission:

Labcorp Genetics (formerly Invitae), Labcorp
Classification: Pathogenic for Leber congenital amaurosis 8; Retinitis pigmentosa 12. Last evaluated: 2021-08-18. Review status: criteria provided, single submitter. Criteria: Invitae Variant Classification Sherloc (09022015). Collection method: clinical testing. Allele origin: germline.
Comment: This variant is a gross deletion of the genomic region encompassing exon(s) 2-5 of the CRB1 gene. This variant would be expected to be in-frame, preserving the integrity of the reading frame. This variant has not been reported in the literature in individuals affected with CRB1-related conditions. The region of the CRB1 gene that includes exon(s) 2 has been determined to be clinically significant (Invitae). Therefore, deletions that encompass that region are likely to be disease-causing. For these reasons, this variant has been classified as Pathogenic.